The following is an entry in ClinVar:

NM_016219.5(MAN1B1):c.1327A>G (p.Ile443Val)

Gene: MAN1B1 (mannosidase alpha class 1B member 1; plus strand). Cytogenetic location: 9q34.3.
Variant type: single nucleotide variant.
Coding change: c.1327A>G on transcript NM_016219.5 (MANE Select); coding-DNA position 1327, A replaced by G.
Protein change: p.Ile443Val; replaces isoleucine 443 with valine.
Molecular consequence: missense variant. On other transcripts: non-coding transcript variant (2).
Genome position (GRCh38, 1-based): chr9:137,106,197, A>G. VCF-style: chr9-137106197-A-G. GRCh37 (hg19) VCF-style: chr9-140000649-A-G.
Other names: c.1219A>G, p.Ile407Val (NM_007230.1); c.1327A>G (NM_016219.4); short protein forms I443V, I407V.
Identifiers: ClinVar variation 1770027 (VCV001770027.7), dbSNP rs201972783, ClinGen allele CA5359190.

ClinVar aggregate classification (germline): Conflicting classifications of pathogenicity. Review status: criteria provided, conflicting classifications (1 of 4 stars). 3 submissions from 3 submitters: Uncertain significance (2); Likely benign (1). Last evaluated 2022-10-24.

Conditions:
Inborn genetic diseases. Identifiers: MedGen C0950123, MeSH D030342.
Rafiq syndrome (RAFQS). Identifiers: Orphanet 88616, MedGen C3280127, MONDO:0013624, OMIM 614202.

Allele frequency attached by ClinVar (database versions not stated): gnomAD 0.00001; TOPMed 0.00009; ExAC 0.00014.

Submissions (3):

Labcorp Genetics (formerly Invitae), Labcorp
Classification: Uncertain significance for Rafiq syndrome. Last evaluated: 2022-10-24. Review status: criteria provided, single submitter. Criteria: Invitae Variant Classification Sherloc (09022015). Collection method: clinical testing. Allele origin: germline.
Comment: This sequence change replaces isoleucine, which is neutral and non-polar, with valine, which is neutral and non-polar, at codon 443 of the MAN1B1 protein (p.Ile443Val). This variant is present in population databases (rs201972783, gnomAD 0.1%). This variant has not been reported in the literature in individuals affected with MAN1B1-related conditions. Algorithms developed to predict the effect of missense changes on protein structure and function (SIFT, PolyPhen-2, Align-GVGD) all suggest that this variant is likely to be tolerated. In summary, the available evidence is currently insufficient to determine the role of this variant in disease. Therefore, it has been classified as a Variant of Uncertain Significance.

Ambry Genetics
Classification: Likely benign for Inborn genetic diseases. Last evaluated: 2021-07-13. Review status: criteria provided, single submitter. Criteria: Ambry Variant Classification Scheme 2023. Collection method: clinical testing. Allele origin: germline.

Revvity Omics, Revvity
Classification: Uncertain significance for Rafiq syndrome. Last evaluated: 2020-09-21. Review status: criteria provided, single submitter. Criteria: ACMG Guidelines, 2015. Collection method: clinical testing. Allele origin: germline.